The following is an entry in ClinVar:

NM_023036.6(DNAI2):c.631C>A (p.Leu211Ile)

Gene: DNAI2 (dynein axonemal intermediate chain 2; plus strand). Cytogenetic location: 17q25.1.
Variant type: single nucleotide variant.
Coding change: c.631C>A on transcript NM_023036.6 (MANE Select); coding-DNA position 631, C replaced by A.
Protein change: p.Leu211Ile; replaces leucine 211 with isoleucine.
Molecular consequence: missense variant. On other transcripts: non-coding transcript variant (1).
Genome position (GRCh38, 1-based): chr17:74,291,040, C>A. VCF-style: chr17-74291040-C-A. GRCh37 (hg19) VCF-style: chr17-72287179-C-A.
Other names: c.631C>A, p.Leu211Ile (NM_001172810.3, NM_001353167.2); short protein forms L211I.
Identifiers: ClinVar variation 2149913 (VCV002149913.4), dbSNP rs772245017, ClinGen allele CA400906749.

ClinVar aggregate classification (germline): Uncertain significance (1 of 4 stars; one submission).

Conditions:
Primary ciliary dyskinesia. Also called: Ciliary dyskinesia. Identifiers: Orphanet 244, MedGen C0008780, MONDO:0016575, HP:0012265.

Allele frequency attached by ClinVar (database versions not stated): gnomAD 0.00001.
gnomAD v4.1: 1 of 1,614,116 alleles (0.000062%); highest among the groups gnomAD compares: Admixed American, 0.0017%; no homozygotes.

Submission:

Labcorp Genetics (formerly Invitae), Labcorp
Classification: Uncertain significance for Primary ciliary dyskinesia. Last evaluated: 2022-05-28. Review status: criteria provided, single submitter. Criteria: Invitae Variant Classification Sherloc (09022015). Collection method: clinical testing. Allele origin: germline.
Comment: This sequence change replaces leucine, which is neutral and non-polar, with isoleucine, which is neutral and non-polar, at codon 211 of the DNAI2 protein (p.Leu211Ile). This variant is present in population databases (no rsID available, gnomAD 0.1%). This variant has not been reported in the literature in individuals affected with DNAI2-related conditions. Algorithms developed to predict the effect of missense changes on protein structure and function output the following: SIFT: "Tolerated"; PolyPhen-2: "Benign"; Align-GVGD: "Class C0". The isoleucine amino acid residue is found in multiple mammalian species, which suggests that this missense change does not adversely affect protein function. In summary, the available evidence is currently insufficient to determine the role of this variant in disease. Therefore, it has been classified as a Variant of Uncertain Significance.